The following is an entry in ClinVar:

NM_004360.5(CDH1):c.2521G>A (p.Glu841Lys)

Gene: CDH1 (cadherin 1; plus strand). Cytogenetic location: 16q22.1.
Variant type: single nucleotide variant.
Coding change: c.2521G>A on transcript NM_004360.5 (MANE Select); coding-DNA position 2521, G replaced by A.
Protein change: p.Glu841Lys; replaces glutamic acid 841 with lysine.
Molecular consequence: missense variant.
Genome position (GRCh38, 1-based): chr16:68,833,371, G>A. VCF-style: chr16-68833371-G-A. GRCh37 (hg19) VCF-style: chr16-68867274-G-A.
Other names: c.2521G>A (LRG_301t1); c.2338G>A, p.Glu780Lys (NM_001317184.2); c.973G>A, p.Glu325Lys (NM_001317185.2); c.556G>A, p.Glu186Lys (NM_001317186.2); short protein forms E841K, E186K, E780K, E325K.
Identifiers: ClinVar variation 231950 (VCV000231950.22), dbSNP rs377489352, ClinGen allele CA10580164.
Genomic context (GRCh38, chr16:68,833,371, plus strand): 5'-GACCCCACAGCCCCGCCTTATGATTCTCTGCTCGTGTTTGACTATGAAGGAAGCGGTTCC[G>A]AAGCTGCTAGTCTGAGCTCCCTGAACTCCTCAGAGTCAGACAAAGACCAGGACTATGACT-3'
Protein context (NP_004351.1, residues 831-851): LVFDYEGSGS[Glu841Lys]AASLSSLNSS

ClinVar aggregate classification (germline): Uncertain significance. Review status: criteria provided, multiple submitters, no conflicts (2 of 4 stars). 5 submissions from 5 submitters: Uncertain significance (5). Last evaluated 2025-05-19.

Conditions:
Hereditary cancer-predisposing syndrome. Also called: Hereditary Cancer Syndrome; Neoplastic Syndromes, Hereditary; Tumor predisposition; Hereditary neoplastic syndrome. Identifiers: Orphanet 140162, MedGen C0027672, MeSH D009386, MONDO:0015356.
Hereditary diffuse gastric adenocarcinoma (HDGC). Also called: DIFFUSE GASTRIC AND LOBULAR BREAST CANCER SYNDROME. Identifiers: Orphanet 26106, MedGen C1708349, MONDO:0007648, OMIM 137215.

Allele frequency attached by ClinVar (database versions not stated): gnomAD exomes below 0.00001 and 0.00002; gnomAD 0.00001.
gnomAD v4.1: 30 of 1,614,054 alleles (0.0019%); highest among the groups gnomAD compares: African/African-American, 0.0027%; no homozygotes.

Submissions (5):

Labcorp Genetics (formerly Invitae), Labcorp
Classification: Uncertain significance for Hereditary diffuse gastric adenocarcinoma. Last evaluated: 2025-05-19. Review status: criteria provided, single submitter. Criteria: Invitae Variant Classification Sherloc (09022015). Collection method: clinical testing. Allele origin: germline.
Comment: This sequence change replaces glutamic acid, which is acidic and polar, with lysine, which is basic and polar, at codon 841 of the CDH1 protein (p.Glu841Lys). This variant is present in population databases (rs377489352, gnomAD 0.004%). This missense change has been observed in individual(s) with CDH1-related conditions (PMID: 36436516). ClinVar contains an entry for this variant (Variation ID: 231950). An algorithm developed to predict the effect of missense changes on protein structure and function (PolyPhen-2) suggests that this variant is likely to be disruptive. In summary, the available evidence is currently insufficient to determine the role of this variant in disease. Therefore, it has been classified as a Variant of Uncertain Significance.

Ambry Genetics
Classification: Uncertain significance for Hereditary cancer-predisposing syndrome. Last evaluated: 2025-03-26. Review status: criteria provided, single submitter. Criteria: Ambry Variant Classification Scheme 2023. Collection method: clinical testing. Allele origin: germline.
Comment: The p.E841K variant (also known as c.2521G>A), located in coding exon 16 of the CDH1 gene, results from a G to A substitution at nucleotide position 2521. The glutamic acid at codon 841 is replaced by lysine, an amino acid with similar properties. This alteration was observed with an allele frequency of 0.00014 in 7,051 unselected female breast cancer patients and was observed with an allele frequency of 0.00009 in 11,241 female controls of Japanese ancestry. In addition, it was not observed in unselected male breast cancer patients and was observed with an allele frequency of 0.0002 in 12490 male controls of Japanese ancestry (Momozawa Y et al. Nat Commun, 2018 10;9:4083). This amino acid position is not well conserved in available vertebrate species. In addition, the in silico prediction for this alteration is inconclusive. Since supporting evidence is limited at this time, the clinical significance of this alteration remains unclear.

Color Diagnostics, LLC DBA Color Health
Classification: Uncertain significance for Hereditary cancer-predisposing syndrome. Last evaluated: 2025-02-24. Review status: criteria provided, single submitter. Criteria: ACMG Guidelines, 2015. Collection method: clinical testing. Allele origin: germline.
Comment: This missense variant replaces glutamic acid with lysine at codon 841 of the CDH1 protein. Computational prediction suggests that this variant may not impact protein structure and function. To our knowledge, functional studies have not been performed for this variant. This variant has been reported in an individual affected with breast cancer (PMID: 36436516), in two breast cancer case-control studies in 3/60466 cases and absent in 53461 unaffected individuals (PMID: 33471991; Leiden Open Variation Database DB-ID CDH1_000322) and in 1/7051 female breast cancer cases, 1/11241 unaffected females and 2/12490 unaffected males (PMID: 30287823). This variant also has been reported in a pancreatic cancer case-control study in 3/23705 unaffected individuals and absent in 1005 cases (PMID: 32980694). This variant has been identified in 2/282894 chromosomes in the general population by the Genome Aggregation Database (gnomAD). The available evidence is insufficient to determine the role of this variant in disease conclusively. Therefore, this variant is classified as a Variant of Uncertain Significance.

European Reference Network on Genetic Tumour Risk Syndromes (ERN-GENTURIS), i3s - Instituto de Investigação e Inovação em Saúde, University of Porto
Classification: Uncertain significance for Hereditary diffuse gastric adenocarcinoma. Last evaluated: 2022-08-01. Review status: criteria provided, single submitter. Criteria: Lee et al. (Hum Mutat. 2018). Collection method: clinical testing. Allele origin: germline. Inheritance: Autosomal dominant inheritance. Affected: no. Study: ERN GENTURIS.
Comment: PM2 (PMID: 30311375)

GeneDx
Classification: Uncertain significance. Last evaluated: 2018-10-03. Review status: criteria provided, single submitter. Criteria: GeneDx Variant Classification (06012015). Collection method: clinical testing. Allele origin: germline. Affected: yes.
Comment: This variant is denoted CDH1 c.2521G>A at the cDNA level, p.Glu841Lys (E841K) at the protein level, and results in the change of a Glutamic Acid to a Lysine (GAA>AAA). Although this variant has not, to our knowledge, been published in the literature as a germline variant, it has been reported as a confirmed somatic variant in colorectal and endometrial carcinomas (Giannakis 2014). CDH1 Glu841Lys was not observed at a significant allele frequency in large population cohorts (Lek 2016). This variant is located in the cytoplasmic domain as well as within a region required for binding beta-catenin and PIPKly (Brooks-Wilson 2004, Figueiredo 2013). In silico analysis, which includes protein predictors and evolutionary conservation, supports that this variant does not alter protein structure/function. Based on currently available evidence, it is unclear whether CDH1 Glu841Lys is a pathogenic or benign variant. We consider it to be a variant of uncertain significance.

Literature cited by the submitters: PubMed 36436516 (cited by 3 submitters); PubMed 30287823 (cited by Ambry Genetics and Color Diagnostics, LLC DBA Color Health); PubMed 32980694 (cited by Color Diagnostics, LLC DBA Color Health); PubMed 33471991 (cited by Color Diagnostics, LLC DBA Color Health).